The following is an entry in ClinVar:

NM_001379500.1(COL18A1):c.992dup (p.Arg332fs)

Gene: COL18A1 (collagen type XVIII alpha 1 chain; plus strand). Cytogenetic location: 21q22.3.
Variant type: Duplication.
Coding change: c.992dup on transcript NM_001379500.1 (MANE Select); coding-DNA position 992, one base duplicated (G; older notation c.992dupG).
Protein change: p.Arg332fs; shifts the reading frame from arginine 332.
Molecular consequence: frameshift variant.
Genome position (GRCh38, 1-based): chr21:45,477,474, G duplicated; the last of 5 consecutive G bases (chr21:45,477,470-45,477,474); duplicating any one gives the same sequence. VCF-style (leftmost placement, unchanged base first): chr21-45477469-T-TG. GRCh37 (hg19) VCF-style: chr21-46897383-T-TG.
Other names: c.1532dup, p.Arg512fs (NM_030582.4); c.2237dup, p.Arg747fs (NM_130444.3); short protein forms R332fs, R512fs, R747fs.
Identifiers: ClinVar variation 931662 (VCV000931662.7), dbSNP rs2035718735, ClinGen allele CA1139666898.
Genomic context (GRCh38, chr21:45,477,469, plus strand): 5'-AGCTCAGACACTTCCTGGCTCAGATTCTGTCTCCACGTGGGACGGGAGTGTCCGGACCCC[T>TG]GGGGGCCGCGTGAAAGAGGTAAGGCCACCTCCCTGTGCTCCTGAACCATTCTGAACCAGA-3'

ClinVar aggregate classification (germline): Pathogenic/Likely pathogenic. Review status: criteria provided, multiple submitters, no conflicts (2 of 4 stars). 2 submissions from 2 submitters: Pathogenic (1); Likely pathogenic (1). Last evaluated 2021-12-17.

Conditions:
Hereditary glaucoma, primary closed-angle. Also called: Glaucoma, primary closed-angle. Identifiers: MedGen C5394374, MONDO:0030038, OMIM 618880.

Submissions (2):

Labcorp Genetics (formerly Invitae), Labcorp
Classification: Pathogenic. Last evaluated: 2021-12-17. Review status: criteria provided, single submitter. Criteria: Invitae Variant Classification Sherloc (09022015). Collection method: clinical testing. Allele origin: germline.
Comment: This variant is not present in population databases (gnomAD no frequency). For these reasons, this variant has been classified as Pathogenic. ClinVar contains an entry for this variant (Variation ID: 931662). This variant has not been reported in the literature in individuals affected with COL18A1-related conditions. This sequence change creates a premature translational stop signal (p.Arg332Profs*81) in the COL18A1 gene. It is expected to result in an absent or disrupted protein product. Loss-of-function variants in COL18A1 are known to be pathogenic (PMID: 12415512, 25456301).

Centre for Mendelian Genomics, University Medical Centre Ljubljana
Classification: Likely pathogenic for Hereditary glaucoma, primary closed-angle. Last evaluated: 2020-01-14. Review status: criteria provided, single submitter. Criteria: ACMG Guidelines, 2015. Collection method: clinical testing. Allele origin: unknown. Affected: yes.
Comment: This variant was classified as: Likely pathogenic. The following ACMG criteria were applied in classifying this variant: PVS1,PM2.

Literature cited by the submitters: PubMed 12415512 (cited by Labcorp Genetics (formerly Invitae), Labcorp); PubMed 25456301 (cited by Labcorp Genetics (formerly Invitae), Labcorp).